The following is an entry in ClinVar:

ClinVar aggregate classification (germline): Benign (1 of 4 stars; one submission).

Conditions:
Adult-onset autosomal dominant demyelinating leukodystrophy. Identifiers: Orphanet 99027, MedGen C1868512, MONDO:0008215.

Allele frequency attached by ClinVar (database versions not stated): TOPMed 0.00028; gnomAD 0.00029; 1000 Genomes Project 0.00080; 1000 Genomes Project 30x 0.00094.
gnomAD v4.1: 129 of 261,398 alleles (0.049%); highest among the groups gnomAD compares: Middle Eastern, 0.68%; 1 homozygote.

Submission:

Illumina Laboratory Services, Illumina
Classification: Benign for Leukodystrophy, demyelinating, adult-onset, autosomal dominant, typical. Last evaluated: 2018-01-13. Review status: criteria provided, single submitter. Criteria: ICSL Variant Classification Criteria 13 December 2019. Collection method: clinical testing. Allele origin: germline.
Comment: This variant was observed in the ICSL laboratory as part of a predisposition screen in an ostensibly healthy population. It had not been previously curated by ICSL or reported in the Human Gene Mutation Database (HGMD: prior to June 1st, 2018), and was therefore a candidate for classification through an automated scoring system. Utilizing variant allele frequency, disease prevalence and penetrance estimates, and inheritance mode, an automated score was calculated to assess if this variant is too frequent to cause the disease. Based on the score and internal cut-off values, a variant classified as benign is not then subjected to further curation. The score for this variant resulted in a classification of benign for this disease.

NM_005573.4(LMNB1):c.-314C>T

Gene: LMNB1 (lamin B1; plus strand). Cytogenetic location: 5q23.2.
Variant type: single nucleotide variant.
Coding change: c.-314C>T on transcript NM_005573.4 (MANE Select); 314 bases upstream of the start codon, C replaced by T.
Molecular consequence: 5 prime UTR variant. On other transcripts: non-coding transcript variant (1).
Genome position (GRCh38, 1-based): chr5:126,777,195, C>T. VCF-style: chr5-126777195-C-T. GRCh37 (hg19) VCF-style: chr5-126112887-C-T.
Other names: c.-321C>T (NM_001198557.2).
Identifiers: ClinVar variation 350608 (VCV000350608.5), dbSNP rs561989552, ClinGen allele CA10618905.